The following is an entry in ClinVar:

ClinVar aggregate classification (germline): Uncertain significance (1 of 4 stars; one submission).

Conditions:
Neuropathy, hereditary sensory and autonomic, type 2A (HSAN2A). Also called: HSAN IIA; WNK1-Related HSAN2 (HSAN2A); MORVAN DISEASE; NEUROPATHY, CONGENITAL SENSORY; NEUROPATHY, HEREDITARY SENSORY RADICULAR, AUTOSOMAL RECESSIVE; NEUROPATHY, HEREDITARY SENSORY, TYPE IIA. Identifiers: Orphanet 970, MedGen C2752089, MONDO:0024309, OMIM 201300.
Generalized epilepsy with febrile seizures plus, type 7 (GEFSP7). Also called: GEFS+, TYPE 7. Identifiers: Orphanet 36387, MedGen C2751778, MONDO:0013470, OMIM 613863.

Submission:

Labcorp Genetics (formerly Invitae), Labcorp
Classification: Uncertain significance for Neuropathy, hereditary sensory and autonomic, type 2A; Generalized epilepsy with febrile seizures plus, type 7. Last evaluated: 2025-10-13. Review status: criteria provided, single submitter. Criteria: Invitae Variant Classification Sherloc (09022015). Collection method: clinical testing. Allele origin: germline.
Comment: This sequence change affects codon 199 of the SCN9A mRNA. It is a 'silent' change, meaning that it does not change the encoded amino acid sequence of the SCN9A protein. It affects a nucleotide within the consensus splice site. This variant is not present in population databases (gnomAD no frequency). This variant has not been reported in the literature in individuals affected with SCN9A-related conditions. Algorithms developed to predict the effect of sequence changes on RNA splicing suggest that this variant may disrupt the consensus splice site. In summary, the available evidence is currently insufficient to determine the role of this variant in disease. Therefore, it has been classified as a Variant of Uncertain Significance.

NM_001365536.1(SCN9A):c.597G>A (p.Ala199=)

Gene: SCN9A (sodium voltage-gated channel alpha subunit 9; minus strand). Cytogenetic location: 2q24.3.
Variant type: single nucleotide variant.
Coding change: c.597G>A on transcript NM_001365536.1 (MANE Select); coding-DNA position 597, G replaced by A.
Protein change: p.Ala199=; no amino-acid change (alanine 199 retained).
Molecular consequence: synonymous variant.
Genome position (GRCh38, 1-based): chr2:166,304,329, C>T on the plus strand (G>A on the coding strand, the complement: SCN9A is on the minus strand). VCF-style: chr2-166304329-C-T. GRCh37 (hg19) VCF-style: chr2-167160839-C-T.
Other names: c.597G>A, p.Ala199= (NM_002977.4).
Identifiers: ClinVar variation 4794957 (VCV004794957.1).